The following is an entry in ClinVar:

NM_000815.5(GABRD):c.831C>T (p.Pro277=)

Gene: GABRD (gamma-aminobutyric acid type A receptor subunit delta; plus strand). Cytogenetic location: 1p36.33.
Variant type: single nucleotide variant.
Coding change: c.831C>T on transcript NM_000815.5 (MANE Select); coding-DNA position 831, C replaced by T.
Protein change: p.Pro277=; no amino-acid change (proline 277 retained).
Molecular consequence: synonymous variant.
Genome position (GRCh38, 1-based): chr1:2,029,250, C>T. VCF-style: chr1-2029250-C-T. GRCh37 (hg19) VCF-style: chr1-1960689-C-T.
Identifiers: ClinVar variation 460015 (VCV000460015.13), dbSNP rs148120771, ClinGen allele CA534797.

ClinVar aggregate classification (germline): Benign/Likely benign. Review status: criteria provided, multiple submitters, no conflicts (2 of 4 stars). 2 submissions from 2 submitters: Benign (1); Likely benign (1). Last evaluated 2025-12-15.

Conditions:
GABRD-related disorder. Also called: GABRD-related condition.
Idiopathic generalized epilepsy. Also called: EIG; Generalised epilepsy. Identifiers: MedGen C0270850, MONDO:0005579, OMIM 600669.

Allele frequency attached by ClinVar (database versions not stated): gnomAD exomes 0.00023; ExAC 0.00071; gnomAD 0.00102 and 0.00107; TOPMed 0.00106; ESP Exome Variant Server 0.00116; 1000 Genomes Project 30x 0.00141; 1000 Genomes Project 0.00160.
gnomAD v4.1: 261 of 1,563,878 alleles (0.017%); highest among the groups gnomAD compares: African/African-American, 0.32%; 2 homozygotes.

Submissions (2):

Labcorp Genetics (formerly Invitae), Labcorp
Classification: Benign for Idiopathic generalized epilepsy. Last evaluated: 2025-12-15. Review status: criteria provided, single submitter. Criteria: Invitae Variant Classification Sherloc (09022015). Collection method: clinical testing. Allele origin: germline.

PreventionGenetics, part of Exact Sciences
Classification: Likely benign for GABRD-related condition. Last evaluated: 2025-02-10. Review status: criteria provided, single submitter. Criteria: ACMG Guidelines, 2015. Collection method: clinical testing. Allele origin: germline.
Comment: This variant is classified as likely benign based on ACMG/AMP sequence variant interpretation guidelines (Richards et al. 2015 PMID: 25741868, with internal and published modifications).